The following is an entry in ClinVar:

NM_001355436.2(SPTB):c.4212A>G (p.Ser1404=)

Gene: SPTB (spectrin beta, erythrocytic; minus strand). Cytogenetic location: 14q23.3.
Variant type: single nucleotide variant.
Coding change: c.4212A>G on transcript NM_001355436.2 (MANE Select); coding-DNA position 4212, A replaced by G.
Protein change: p.Ser1404=; no amino-acid change (serine 1404 retained).
Molecular consequence: synonymous variant.
Genome position (GRCh38, 1-based): chr14:64,782,344, T>C on the plus strand (A>G on the coding strand, the complement: SPTB is on the minus strand). VCF-style: chr14-64782344-T-C. GRCh37 (hg19) VCF-style: chr14-65249062-T-C.
Other names: c.4212A>G, p.Ser1404= (NM_001024858.4, NM_001355437.2).
Identifiers: ClinVar variation 2644320 (VCV002644320.24), dbSNP rs2503102616, ClinGen allele CA486736169.

ClinVar aggregate classification (germline): Likely benign (1 of 4 stars; one submission).

Submission:

CeGaT Center for Human Genetics Tuebingen
Classification: Likely benign. Last evaluated: 2023-08-01. Review status: criteria provided, single submitter. Criteria: CeGaT Center For Human Genetics Tuebingen Variant Classification Criteria Version 2. Collection method: clinical testing. Allele origin: germline. Affected: yes. Observed: 1 variant allele.
Comment: SPTB: PM2:Supporting, BP4, BP7